The following is an entry in ClinVar:

ClinVar aggregate classification (germline): Pathogenic (1 of 4 stars; one submission).

Submission:

CeGaT Center for Human Genetics Tuebingen
Classification: Pathogenic. Last evaluated: 2025-10-01. Review status: criteria provided, single submitter. Criteria: CeGaT Center For Human Genetics Tuebingen Variant Classification Criteria Version 2. Collection method: clinical testing. Allele origin: germline. Affected: yes. Observed: 1 variant allele.
Comment: SERPINF1: PVS1, PM2, PM3

NM_002615.7(SERPINF1):c.188dup (p.Tyr63Ter)

Genes: SERPINF1 (serpin family F member 1; plus strand), LOC130059891 (ATAC-STARR-seq lymphoblastoid active region 11456; plus strand). Cytogenetic location: 17p13.3.
Variant type: Duplication.
Coding change: c.188dup on transcript NM_002615.7 (MANE Select); coding-DNA position 188, one base duplicated (A; older notation c.188dupA).
Protein change: p.Tyr63Ter; replaces tyrosine 63 with a stop codon.
Molecular consequence: nonsense. On other transcripts: 5 prime UTR variant (1).
Genome position (GRCh38, 1-based): chr17:1,769,955, A duplicated. VCF-style (leftmost placement, unchanged base first): chr17-1769954-T-TA. GRCh37 (hg19) VCF-style: chr17-1673248-T-TA.
Other names: c.188dup, p.Tyr63Ter (NM_001329903.2); c.-374dup (NM_001329904.2); short protein forms Y63*.
Identifiers: ClinVar variation 4534924 (VCV004534924.6).